The following is an entry in ClinVar:

ClinVar aggregate classification (germline): Uncertain significance. Review status: criteria provided, multiple submitters, no conflicts (2 of 4 stars). 2 submissions from 2 submitters: Uncertain significance (2). Last evaluated 2025-02-10.

Conditions:
Hypertrophic cardiomyopathy. Also called: HYPERTROPHIC MYOCARDIOPATHY. Identifiers: Orphanet 217569, MedGen C0007194, MeSH D002312, MONDO:0005045, HP:0001639.
Primary dilated cardiomyopathy (DCM). Also called: Dilated Cardiomyopathy. Identifiers: Orphanet 217604, MedGen C0007193, MeSH D002311, MONDO:0005021, HP:0001644. Inheritance: Various modes of inheritance.

Allele frequency attached by ClinVar (database versions not stated): gnomAD exomes below 0.00001; TOPMed 0.00001.

Submissions (2):

Ambry Genetics
Classification: Uncertain significance. Last evaluated: 2025-02-10. Review status: criteria provided, single submitter. Criteria: Ambry Variant Classification Scheme 2023. Collection method: clinical testing. Allele origin: germline.
Comment: The p.Q3R variant (also known as c.8A>G), located in coding exon 1 of the PDLIM3 gene, results from an A to G substitution at nucleotide position 8. The glutamine at codon 3 is replaced by arginine, an amino acid with highly similar properties. This amino acid position is conserved. In addition, the in silico prediction for this alteration is inconclusive. Based on the available evidence, the clinical significance of this variant remains unclear.

Labcorp Genetics (formerly Invitae), Labcorp
Classification: Uncertain significance for Hypertrophic cardiomyopathy; Primary dilated cardiomyopathy. Last evaluated: 2024-05-22. Review status: criteria provided, single submitter. Criteria: Invitae Variant Classification Sherloc (09022015). Collection method: clinical testing. Allele origin: germline.
Comment: This sequence change replaces glutamine, which is neutral and polar, with arginine, which is basic and polar, at codon 3 of the PDLIM3 protein (p.Gln3Arg). This variant is not present in population databases (gnomAD no frequency). This variant has not been reported in the literature in individuals affected with PDLIM3-related conditions. ClinVar contains an entry for this variant (Variation ID: 664389). An algorithm developed to predict the effect of missense changes on protein structure and function (PolyPhen-2) suggests that this variant is likely to be tolerated. In summary, the available evidence is currently insufficient to determine the role of this variant in disease. Therefore, it has been classified as a Variant of Uncertain Significance.

NM_014476.6(PDLIM3):c.8A>G (p.Gln3Arg)

Gene: PDLIM3 (PDZ and LIM domain 3; minus strand). Cytogenetic location: 4q35.1.
Variant type: single nucleotide variant.
Coding change: c.8A>G on transcript NM_014476.6 (MANE Select); coding-DNA position 8, A replaced by G.
Protein change: p.Gln3Arg; replaces glutamine 3 with arginine.
Molecular consequence: missense variant. On other transcripts: non-coding transcript variant (1).
Genome position (GRCh38, 1-based): chr4:185,535,427, T>C on the plus strand (A>G on the coding strand, the complement: PDLIM3 is on the minus strand). VCF-style: chr4-185535427-T-C. GRCh37 (hg19) VCF-style: chr4-186456581-T-C.
Other names: c.8A>G, p.Gln3Arg (NM_001114107.5, NM_001257962.2, NM_001257963.2); c.8A>G (NM_014476.4); short protein forms Q3R.
Identifiers: ClinVar variation 664389 (VCV000664389.10), dbSNP rs1227606973, ClinGen allele CA358932890.